The following is an entry in ClinVar:

NM_001127222.2(CACNA1A):c.5115T>G (p.Tyr1705Ter)

Gene: CACNA1A (calcium voltage-gated channel subunit alpha1 A; minus strand). Cytogenetic location: 19p13.13.
Variant type: single nucleotide variant.
Coding change: c.5115T>G on transcript NM_001127222.2 (MANE Select); coding-DNA position 5115, T replaced by G.
Protein change: p.Tyr1705Ter; replaces tyrosine 1705 with a stop codon.
Molecular consequence: nonsense.
Genome position (GRCh38, 1-based): chr19:13,235,227, A>C on the plus strand (T>G on the coding strand, the complement: CACNA1A is on the minus strand). VCF-style: chr19-13235227-A-C. GRCh37 (hg19) VCF-style: chr19-13346041-A-C.
Other names: c.5133T>G, p.Tyr1711Ter (NM_000068.4, NM_023035.3); c.5118T>G, p.Tyr1706Ter (NM_001127221.2); c.5124T>G, p.Tyr1708Ter (NM_001174080.2); short protein forms Y1708*, Y1711*, Y1705*, Y1706*.
Identifiers: ClinVar variation 645463 (VCV000645463.9), dbSNP rs1600139005, ClinGen allele CA404335836.

ClinVar aggregate classification (germline): Pathogenic (1 of 4 stars; one submission).

Conditions:
Developmental and epileptic encephalopathy, 42 (DEE42A). Also called: Epileptic encephalopathy, early infantile, 42; DEVELOPMENTAL AND EPILEPTIC ENCEPHALOPATHY 42A; EPILEPTIC ENCEPHALOPATHY, EARLY INFANTILE, 42A. Identifiers: MedGen C4310716, MONDO:0014917, OMIM 617106.
Episodic ataxia type 2 (EA2). Also called: CEREBELLAR ATAXIA, PAROXYSMAL, ACETAZOLAMIDE-RESPONSIVE; CEREBELLOPATHY, HEREDITARY PAROXYSMAL; EPISODIC ATAXIA, NYSTAGMUS-ASSOCIATED; ATAXIA, EPISODIC, WITH NYSTAGMUS; ATAXIA, FAMILIAL PAROXYSMAL; ACETAZOLAMIDE-RESPONSIVE HEREDITARY PAROXYSMAL CEREBELLAR ATAXIA. Identifiers: Orphanet 97, MedGen C1720416, MONDO:0007163, OMIM 108500.

Submission:

Labcorp Genetics (formerly Invitae), Labcorp
Classification: Pathogenic for Developmental and epileptic encephalopathy, 42; Episodic ataxia type 2. Last evaluated: 2019-04-04. Review status: criteria provided, single submitter. Criteria: Invitae Variant Classification Sherloc (09022015). Collection method: clinical testing. Allele origin: germline.
Comment: For these reasons, this variant has been classified as Pathogenic. Loss-of-function variants in CACNA1A are known to be pathogenic (PMID: 10371528, 19486177, 25735478, 27250579). This variant has not been reported in the literature in individuals with CACNA1A-related disease. This variant is not present in population databases (ExAC no frequency). This sequence change creates a premature translational stop signal (p.Tyr1706*) in the CACNA1A gene. It is expected to result in an absent or disrupted protein product.

Literature cited by the submitters: PubMed 10371528; PubMed 19486177; PubMed 25735478; PubMed 27250579.